The following is an entry in ClinVar:

ClinVar aggregate classification (germline): Uncertain significance (1 of 4 stars; one submission).

gnomAD v4.1: 1 of 1,613,750 alleles (0.000062%); highest among the groups gnomAD compares: Non-Finnish European, 0.000085%; no homozygotes.

Submission:

Labcorp Genetics (formerly Invitae), Labcorp
Classification: Uncertain significance. Last evaluated: 2024-05-09. Review status: criteria provided, single submitter. Criteria: Invitae Variant Classification Sherloc (09022015). Collection method: clinical testing. Allele origin: germline.
Comment: This sequence change replaces arginine, which is basic and polar, with proline, which is neutral and non-polar, at codon 738 of the MAST1 protein (p.Arg738Pro). This variant is not present in population databases (gnomAD no frequency). This variant has not been reported in the literature in individuals affected with MAST1-related conditions. An algorithm developed to predict the effect of missense changes on protein structure and function (PolyPhen-2) suggests that this variant is likely to be tolerated. In summary, the available evidence is currently insufficient to determine the role of this variant in disease. Therefore, it has been classified as a Variant of Uncertain Significance.

NM_014975.3(MAST1):c.2213G>C (p.Arg738Pro)

Genes: MAST1 (microtubule associated serine/threonine kinase 1; plus strand), LOC112543452 (Sharpr-MPRA regulatory region 6054; plus strand). Cytogenetic location: 19p13.13.
Variant type: single nucleotide variant.
Coding change: c.2213G>C on transcript NM_014975.3 (MANE Select); coding-DNA position 2213, G replaced by C.
Protein change: p.Arg738Pro; replaces arginine 738 with proline.
Molecular consequence: missense variant.
Genome position (GRCh38, 1-based): chr19:12,867,547, G>C. VCF-style: chr19-12867547-G-C. GRCh37 (hg19) VCF-style: chr19-12978361-G-C.
Other names: short protein forms R738P.
Identifiers: ClinVar variation 3698490 (VCV003698490.2).